The following is an entry in ClinVar:

NM_002227.4(JAK1):c.1648+3T>A

Gene: JAK1 (Janus kinase 1; minus strand). Cytogenetic location: 1p31.3.
Variant type: single nucleotide variant.
Coding change: c.1648+3T>A on transcript NM_002227.4 (MANE Select); 3 bases into the intron after coding-DNA position 1648, T replaced by A.
Molecular consequence: intron variant.
Genome position (GRCh38, 1-based): chr1:64,855,506, A>T on the plus strand (T>A on the coding strand, the complement: JAK1 is on the minus strand). VCF-style: chr1-64855506-A-T. GRCh37 (hg19) VCF-style: chr1-65321189-A-T.
Other names: c.1648+3T>A (NM_001321852.2, NM_001321854.2, NM_001321853.2 and 3 more transcripts); c.1645+3T>A (NM_001321857.2).
Identifiers: ClinVar variation 4749858 (VCV004749858.1).
Genomic context (GRCh38, chr1:64,855,506, plus strand): 5'-TCGATCTGGGTCTCAGCACATTACTGATGGGATACAGCCTGGCTCTGGCACAGGGAGACG[A>T]ACCTCGGGGCTTGGGCTGGCAGCAGCGTTTTAGCATGAAGCTGATGTTATCCGTGCGCAG-3'

ClinVar aggregate classification (germline): Uncertain significance (1 of 4 stars; one submission).

gnomAD v4.1: 10 of 1,613,670 alleles (0.00062%); highest among the groups gnomAD compares: Admixed American, 0.0017%; no homozygotes.

Submission:

Labcorp Genetics (formerly Invitae), Labcorp
Classification: Uncertain significance. Last evaluated: 2025-11-08. Review status: criteria provided, single submitter. Criteria: Invitae Variant Classification Sherloc (09022015). Collection method: clinical testing. Allele origin: germline.
Comment: This sequence change falls in intron 11 of the JAK1 gene. It does not directly change the encoded amino acid sequence of the JAK1 protein. It affects a nucleotide within the consensus splice site. This variant is present in population databases (rs139659752, gnomAD 0.0009%). This variant has not been reported in the literature in individuals affected with JAK1-related conditions. Variants that disrupt the consensus splice site are a relatively common cause of aberrant splicing (PMID: 17576681, 9536098). Algorithms developed to predict the effect of sequence changes on RNA splicing suggest that this variant is not likely to affect RNA splicing. In summary, the available evidence is currently insufficient to determine the role of this variant in disease. Therefore, it has been classified as a Variant of Uncertain Significance.

Literature cited by the submitters: PubMed 17576681; PubMed 9536098.